The following is an entry in ClinVar:

ClinVar aggregate classification (germline): Uncertain significance (1 of 4 stars; one submission).

Conditions:
Ehlers-Danlos syndrome, type 4 (EDSVASC). Also called: Ehlers-Danlos Syndrome Type IV; Ehlers-Danlos syndrome vascular type; Ehlers Danlos syndrome, ecchymotic type; Ehlers Danlos syndrome, arterial type; Ehlers Danlos syndrome, Sack-Barabas type. Identifiers: Orphanet 286, MedGen C0268338, MONDO:0017314, OMIM 130050.

Submission:

All of Us Research Program, National Institutes of Health
Classification: Uncertain significance for Ehlers-Danlos syndrome, type 4. Last evaluated: 2023-11-20. Review status: criteria provided, single submitter. Criteria: ACMG Guidelines, 2015. Collection method: clinical testing. Allele origin: germline. Inheritance: Autosomal dominant inheritance. Observed: 1 variant allele, 1 heterozygote.
Comment: This variant causes an A to G nucleotide substitution at the +4 position of intron 39 of the COL3A1 gene. To our knowledge, functional studies have not been reported for this variant. This variant has not been reported in individuals affected with COL3A1-related disorders in the literature. This variant has not been identified in the general population by the Genome Aggregation Database (gnomAD). The available evidence is insufficient to determine the role of this variant in disease conclusively. Therefore, this variant is classified as a Variant of Uncertain Significance.

This study involves interpretation of variants in research participants for the purpose of population health screening. Participant phenotype was not available at the time of variant classification. Additional details can be found in publication PMID: 35346344, PMCID: PMC8962531

NM_000090.4(COL3A1):c.2823+4A>G

Gene: COL3A1 (collagen type III alpha 1 chain; plus strand). Cytogenetic location: 2q32.2.
Variant type: single nucleotide variant.
Coding change: c.2823+4A>G on transcript NM_000090.4 (MANE Select); 4 bases into the intron after coding-DNA position 2823, A replaced by G.
Molecular consequence: intron variant.
Genome position (GRCh38, 1-based): chr2:189,004,147, A>G. VCF-style: chr2-189004147-A-G. GRCh37 (hg19) VCF-style: chr2-189868873-A-G.
Identifiers: ClinVar variation 3074478 (VCV003074478.1), dbSNP rs2469153788, ClinGen allele CA2825001057.
Genomic context (GRCh38, chr2:189,004,147, plus strand): 5'-AAAGGTGATGCTGGCCAACCAGGAGAGAAGGGATCGCCTGGTGCCCAGGGCCCACCAGTA[A>G]GTAACTTCATTTTTTTAAATTGATTCTACTATTTTGATTTTTATCACAAATCGATTAGAG-3'